The following is an entry in ClinVar:

ClinVar aggregate classification (germline): Uncertain significance (1 of 4 stars; one submission).

Conditions:
Mucopolysaccharidosis, MPS-IV-A (MPS4A). Also called: Mucopolysaccharidosis type IV A; Mucopolysaccharidosis Type IVA; Morquio syndrome A, mild; MORQUIO SYNDROME A; MPS IVA; mucopolysaccharidosis type 4A. Identifiers: Orphanet 309297, Orphanet 582, MedGen C0086651, MONDO:0009659, OMIM 253000.

Submission:

Laboratory of Diagnosis and Therapy of Lysosomal Disorders, University of Padova
Classification: Uncertain significance for Mucopolysaccharidosis, MPS-IV-A. Last evaluated: 2021-02-01. Review status: criteria provided, single submitter. Criteria: ACMG Guidelines, 2015. Collection method: curation. Allele origin: germline. Affected: yes.
Comment: Absent from gnomAD v2.1.1 (PM2_moderate); multiple lines of computational evidence support a deleterious effect on the gene (PP3_supporting)

Literature cited by the submitters: PubMed 34387910.

NM_000512.5(GALNS):c.228C>G (p.Asn76Lys)

Gene: GALNS (galactosamine (N-acetyl)-6-sulfatase; minus strand). Cytogenetic location: 16q24.3.
Variant type: single nucleotide variant.
Coding change: c.228C>G on transcript NM_000512.5 (MANE Select); coding-DNA position 228, C replaced by G.
Protein change: p.Asn76Lys; replaces asparagine 76 with lysine.
Molecular consequence: missense variant. On other transcripts: intron variant (1).
Genome position (GRCh38, 1-based): chr16:88,842,722, G>C on the plus strand (C>G on the coding strand, the complement: GALNS is on the minus strand). VCF-style: chr16-88842722-G-C. GRCh37 (hg19) VCF-style: chr16-88909130-G-C.
Other names: c.246C>G, p.Asn82Lys (NM_001323544.2); c.-311-751C>G (NM_001323543.2); short protein forms N76K, N82K.
Identifiers: ClinVar variation 1048385 (VCV001048385.3), dbSNP rs147599478, ClinGen allele CA397091254.